The following is an entry in ClinVar:

NM_004770.3(KCNB2):c.316G>A (p.Gly106Arg)

Gene: KCNB2 (potassium voltage-gated channel subfamily B member 2; plus strand). Cytogenetic location: 8q21.11.
Variant type: single nucleotide variant.
Coding change: c.316G>A on transcript NM_004770.3 (MANE Select); coding-DNA position 316, G replaced by A.
Protein change: p.Gly106Arg; replaces glycine 106 with arginine.
Molecular consequence: missense variant.
Genome position (GRCh38, 1-based): chr8:72,568,050, G>A. VCF-style: chr8-72568050-G-A. GRCh37 (hg19) VCF-style: chr8-73480285-G-A.
Other names: NC_000008.10:g.73480285G>A; short protein forms G106R.
Identifiers: ClinVar variation 2378392 (VCV002378392.17), dbSNP rs747695999, ClinGen allele CA4781457.

ClinVar aggregate classification (germline): Conflicting classifications of pathogenicity. Review status: criteria provided, conflicting classifications (1 of 4 stars). 2 submissions from 2 submitters: Uncertain significance (1); Likely benign (1). Last evaluated 2025-02-01.

Allele frequency attached by ClinVar (database versions not stated): TOPMed 0.00001; gnomAD 0.00002; gnomAD exomes 0.00008; ExAC 0.00010.
gnomAD v4.1: 131 of 1,613,966 alleles (0.0081%); highest among the groups gnomAD compares: South Asian, 0.015%; no homozygotes.

Submissions (3):

CeGaT Center for Human Genetics Tuebingen
Classification: Likely benign. Last evaluated: 2025-02-01. Review status: criteria provided, single submitter. Criteria: CeGaT Center For Human Genetics Tuebingen Variant Classification Criteria Version 2. Collection method: clinical testing. Allele origin: germline. Affected: yes. Observed: 1 variant allele.
Comment: KCNB2: PP3, BS2

Ambry Genetics
Classification: Uncertain significance. Last evaluated: 2024-05-29. Review status: criteria provided, single submitter. Criteria: Ambry Variant Classification Scheme 2023. Collection method: clinical testing. Allele origin: germline.

Dr. Peter K. Rogan Lab, Western University
No classification provided (evidence only). Condition: Uterine carcinosarcoma. Review status: no classification provided. Collection method: in vitro. Allele origin: not applicable. Functional consequence: retained intron. Not counted in ClinVar's aggregate classification.